The following is an entry in ClinVar:

ClinVar aggregate classification (germline): Pathogenic (1 of 4 stars; one submission).

Conditions:
Autosomal dominant polycystic kidney disease. Identifiers: Orphanet 730, MedGen C0085413, MONDO:0004691.

Submission:

Labcorp Genetics (formerly Invitae), Labcorp
Classification: Pathogenic for Autosomal dominant polycystic kidney disease. Last evaluated: 2018-05-04. Review status: criteria provided, single submitter. Criteria: Invitae Variant Classification Sherloc (09022015). Collection method: clinical testing. Allele origin: germline.
Comment: This sequence change creates a premature translational stop signal (p.Leu442*) in the PKD2 gene. It is expected to result in an absent or disrupted protein product. For these reasons, this variant has been classified as Pathogenic. Loss-of-function variants in PKD2 are known to be pathogenic (PMID: 17582161, 22863349). This variant has not been reported in the literature in individuals with PKD2-related disease. This variant is not present in population databases (ExAC no frequency).

Literature cited by the submitters: PubMed 17582161; PubMed 22863349.

NM_000297.4(PKD2):c.1325T>A (p.Leu442Ter)

Gene: PKD2 (polycystin 2, transient receptor potential cation channel; plus strand). Cytogenetic location: 4q22.1.
Variant type: single nucleotide variant.
Coding change: c.1325T>A on transcript NM_000297.4 (MANE Select); coding-DNA position 1325, T replaced by A.
Protein change: p.Leu442Ter; replaces leucine 442 with a stop codon.
Molecular consequence: nonsense. On other transcripts: non-coding transcript variant (1).
Genome position (GRCh38, 1-based): chr4:88,046,647, T>A. VCF-style: chr4-88046647-T-A. GRCh37 (hg19) VCF-style: chr4-88967799-T-A.
Other names: short protein forms L442*.
Identifiers: ClinVar variation 573710 (VCV000573710.6), dbSNP rs1391596181, ClinGen allele CA357618391.